The following is an entry in ClinVar:

NM_000489.6(ATRX):c.6408C>T (p.Asp2136=)

Gene: ATRX (ATRX chromatin remodeler; minus strand). Cytogenetic location: Xq21.1.
Variant type: single nucleotide variant.
Coding change: c.6408C>T on transcript NM_000489.6 (MANE Select); coding-DNA position 6408, C replaced by T.
Protein change: p.Asp2136=; no amino-acid change (aspartic acid 2136 retained).
Molecular consequence: synonymous variant.
Genome position (GRCh38, 1-based): chrX:77,558,765, G>A on the plus strand (C>T on the coding strand, the complement: ATRX is on the minus strand). VCF-style: chrX-77558765-G-A. GRCh37 (hg19) VCF-style: chrX-76814236-G-A.
Other names: c.6294C>T, p.Asp2098= (NM_138270.5); c.6408C>T (NM_000489.4).
Identifiers: ClinVar variation 2167886 (VCV002167886.5), dbSNP rs2147948760, ClinGen allele CA517374281.

ClinVar aggregate classification (germline): Likely benign. Review status: criteria provided, multiple submitters, no conflicts (2 of 4 stars). 2 submissions from 2 submitters: Likely benign (2). Last evaluated 2026-09-12.

Conditions:
Alpha thalassemia-X-linked intellectual disability syndrome (ATRX). Also called: ALPHA-THALASSEMIA/MENTAL RETARDATION SYNDROME, X-LINKED; ATR, NONDELETION TYPE; ATR-X syndrome; Alpha thalassemia mental retardation syndrome, nondeletion type, X-linked; XLMR hypotonic face syndrome; X-linked alpha-thalassemia-mental retardation syndrome. Identifiers: Orphanet 847, MedGen C1845055, MONDO:0010519, OMIM 301040.
ATRX-related disorder. Also called: ATRX-related condition.

Allele frequency attached by ClinVar (database versions not stated): gnomAD exomes below 0.00001.
gnomAD v4.1: 1 of 1,201,057 alleles (0.000083%); highest among the groups gnomAD compares: Non-Finnish European, 0.00011%; no homozygotes.

Submissions (2):

PreventionGenetics, part of Exact Sciences
Classification: Likely benign for ATRX-related condition. Last evaluated: 2026-09-12. Review status: criteria provided, single submitter. Criteria: ACMG Guidelines, 2015. Collection method: clinical testing. Allele origin: germline.
Comment: This variant is classified as likely benign based on ACMG/AMP sequence variant interpretation guidelines (Richards et al. 2015 PMID: 25741868, with internal and published modifications).

Labcorp Genetics (formerly Invitae), Labcorp
Classification: Likely benign for Alpha thalassemia-X-linked intellectual disability syndrome. Last evaluated: 2024-11-04. Review status: criteria provided, single submitter. Criteria: Invitae Variant Classification Sherloc (09022015). Collection method: clinical testing. Allele origin: germline.